The following is an entry in ClinVar:

NM_004304.5(ALK):c.368T>C (p.Leu123Pro)

Gene: ALK (ALK receptor tyrosine kinase; minus strand). Cytogenetic location: 2p23.1.
Variant type: single nucleotide variant.
Coding change: c.368T>C on transcript NM_004304.5 (MANE Select); coding-DNA position 368, T replaced by C.
Protein change: p.Leu123Pro; replaces leucine 123 with proline.
Molecular consequence: missense variant.
Genome position (GRCh38, 1-based): chr2:29,920,292, A>G on the plus strand (T>C on the coding strand, the complement: ALK is on the minus strand). VCF-style: chr2-29920292-A-G. GRCh37 (hg19) VCF-style: chr2-30143158-A-G.
Other names: short protein forms L123P.
Identifiers: ClinVar variation 2785582 (VCV002785582.3), dbSNP rs2465866379, ClinGen allele CA346590179.

ClinVar aggregate classification (germline): Uncertain significance (1 of 4 stars; one submission).

Conditions:
Neuroblastoma, susceptibility to, 3. Also called: ALK-Related Neuroblastic Tumor Susceptibility. Identifiers: Orphanet 635, MedGen C2751681, MONDO:0013083, OMIM 613014.

Allele frequency attached by ClinVar (database versions not stated): gnomAD exomes below 0.00001.
gnomAD v4.1: 1 of 1,572,302 alleles (0.000064%); highest among the groups gnomAD compares: Non-Finnish European, 0.000086%; no homozygotes.

Submission:

Labcorp Genetics (formerly Invitae), Labcorp
Classification: Uncertain significance for Neuroblastoma, susceptibility to, 3. Last evaluated: 2024-05-31. Review status: criteria provided, single submitter. Criteria: Invitae Variant Classification Sherloc (09022015). Collection method: clinical testing. Allele origin: germline.
Comment: This sequence change replaces leucine, which is neutral and non-polar, with proline, which is neutral and non-polar, at codon 123 of the ALK protein (p.Leu123Pro). This variant is not present in population databases (gnomAD no frequency). This variant has not been reported in the literature in individuals affected with ALK-related conditions. An algorithm developed to predict the effect of missense changes on protein structure and function (PolyPhen-2) suggests that this variant is likely to be tolerated. In summary, the available evidence is currently insufficient to determine the role of this variant in disease. Therefore, it has been classified as a Variant of Uncertain Significance.